The following is an entry in ClinVar:

ClinVar aggregate classification (germline): Pathogenic. Review status: criteria provided, multiple submitters, no conflicts (2 of 4 stars). 4 submissions from 4 submitters: Pathogenic (4). Last evaluated 2026-01-23.

Conditions:
Gorlin syndrome. Also called: Nevoid Basal Cell Carcinoma Syndrome; Basal cell nevus syndrome. Identifiers: Orphanet 377, MedGen C0004779, MONDO:0007187.
Basal cell nevus syndrome 1 (BCNS1). Also called: GORLIN-GOLTZ SYNDROME; MULTIPLE BASAL CELL NEVI, ODONTOGENIC KERATOCYSTS, AND SKELETAL ANOMALIES. Identifiers: MedGen CN376810, MONDO:0958174, OMIM 109400.
Hereditary cancer-predisposing syndrome. Also called: Tumor predisposition; Hereditary neoplastic syndrome; Hereditary Cancer Syndrome; Neoplastic Syndromes, Hereditary. Identifiers: Orphanet 140162, MedGen C0027672, MeSH D009386, MONDO:0015356.

Submissions (4):

Ambry Genetics
Classification: Pathogenic for Hereditary cancer-predisposing syndrome. Last evaluated: 2026-01-23. Review status: criteria provided, single submitter. Criteria: Ambry Variant Classification Scheme 2023. Collection method: clinical testing. Allele origin: germline.
Comment: The c.202-2A>G intronic pathogenic mutation results from an A to G substitution two nucleotides upstream from coding exon 2 in the PTCH1 gene. This variant was reported in individual(s) with features consistent with PTCH1-related nevoid basal cell carcinoma syndrome (Reinders MG et al. Mol Genet Genomic Med. 2018 05;6:409-415). This variant is considered to be rare based on population cohorts in the Genome Aggregation Database (gnomAD). This nucleotide position is highly conserved in available vertebrate species. In silico splice site analysis predicts that this alteration will weaken the native splice acceptor site. Variants that disrupt the canonical splice site are expected to cause aberrant splicing, resulting in an abnormal protein or a transcript that is subject to nonsense-mediated mRNA decay. As such, this variant is classified as a disease-causing mutation.

Labcorp Genetics (formerly Invitae), Labcorp
Classification: Pathogenic for Gorlin syndrome. Last evaluated: 2023-09-19. Review status: criteria provided, single submitter. Criteria: Invitae Variant Classification Sherloc (09022015). Collection method: clinical testing. Allele origin: germline.
Comment: For these reasons, this variant has been classified as Pathogenic. Algorithms developed to predict the effect of sequence changes on RNA splicing suggest that this variant may disrupt the consensus splice site. ClinVar contains an entry for this variant (Variation ID: 237465). Disruption of this splice site has been observed in individuals with clinical features of basal cell nevus syndrome (PMID: 29575684; Invitae). This variant is not present in population databases (gnomAD no frequency). This sequence change affects an acceptor splice site in intron 1 of the PTCH1 gene. It is expected to disrupt RNA splicing. Variants that disrupt the donor or acceptor splice site typically lead to a loss of protein function (PMID: 16199547), and loss-of-function variants in PTCH1 are known to be pathogenic (PMID: 16301862, 16419085).

GeneDx
Classification: Pathogenic. Last evaluated: 2022-06-01. Review status: criteria provided, single submitter. Criteria: GeneDx Variant Classification Process June 2021. Collection method: clinical testing. Allele origin: germline. Affected: yes.
Comment: Canonical splice site variant predicted to result in a null allele in a gene for which loss of function is a known mechanism of disease; Not observed at significant frequency in large population cohorts (gnomAD); This variant is associated with the following publications: (PMID: 29575684, 28328109)

St. Jude Molecular Pathology, St. Jude Children's Research Hospital
Classification: Pathogenic for Basal cell nevus syndrome 1. Last evaluated: 2022-01-03. Review status: criteria provided, single submitter. Criteria: St. Jude Assertion Criteria 2020. Collection method: clinical testing. Allele origin: germline.
Comment: The PTCH1 c.202-2A>G intronic change results from an A to G substitution at the -2 position of intron 1 of the PTCH1 gene. This variant disrupts the native splice site at c.202 resulting in out-of-frame alternative splicing between exons 1 and 3 and skipping of exon 2. This variant has been reported in individuals with nevoid basal cell carcinoma syndrome (PMID: 29575684, 28328109). This variant is absent in gnomAD v2.1.1. In summary, this variant meets criteria to be classified as pathogenic.

Literature cited by the submitters: PubMed 29575684 (cited by Ambry Genetics and Labcorp Genetics (formerly Invitae), Labcorp); PubMed 16199547 (cited by Labcorp Genetics (formerly Invitae), Labcorp); PubMed 16301862 (cited by Labcorp Genetics (formerly Invitae), Labcorp); PubMed 16419085 (cited by Labcorp Genetics (formerly Invitae), Labcorp).

NM_000264.5(PTCH1):c.202-2A>G

Gene: PTCH1 (patched 1; minus strand). Cytogenetic location: 9q22.32.
Variant type: single nucleotide variant.
Coding change: c.202-2A>G on transcript NM_000264.5 (MANE Select); the canonical splice acceptor site of the intron before coding-DNA position 202, A replaced by G.
Molecular consequence: splice acceptor variant.
Genome position (GRCh38, 1-based): chr9:95,506,601, T>C on the plus strand (A>G on the coding strand, the complement: PTCH1 is on the minus strand). VCF-style: chr9-95506601-T-C. GRCh37 (hg19) VCF-style: chr9-98268883-T-C.
Other names: c.199-2A>G (NM_001083603.3); c.4-2A>G (NM_001083602.3, NM_001354919.2); c.202-2A>G (NM_001354918.2); c.-252-2A>G (NM_001083605.3, NM_001083604.3, NM_001083606.3 and 1 more transcripts).
Identifiers: ClinVar variation 237465 (VCV000237465.17), dbSNP rs878853849, ClinGen allele CA10582690.